The following is an entry in ClinVar:

ClinVar aggregate classification (germline): Likely pathogenic (0 of 4 stars; one submission).

Conditions:
UBA2-related disorder.

Submission:

PreventionGenetics, part of Exact Sciences
Classification: Likely pathogenic for UBA2-related condition. Last evaluated: 2024-03-14. Review status: no assertion criteria provided. Collection method: clinical testing. Allele origin: germline.
Comment: The UBA2 c.806delT variant is predicted to result in a frameshift and premature protein termination (p.Met269Argfs*37). To our knowledge, this variant has not been reported in the literature or in a large population database, indicating this variant is rare. Frameshift variants in UBA2 are expected to be pathogenic. This variant is interpreted as likely pathogenic.

NM_005499.3(UBA2):c.806del (p.Met269fs)

Gene: UBA2 (ubiquitin like modifier activating enzyme 2; plus strand). Cytogenetic location: 19q13.11.
Variant type: Deletion.
Coding change: c.806del on transcript NM_005499.3 (MANE Select); coding-DNA position 806, one base deleted (T; older notation c.806delT).
Protein change: p.Met269fs; shifts the reading frame from methionine 269.
Molecular consequence: frameshift variant.
Genome position (GRCh38, 1-based): chr19:34,450,299, T deleted. VCF-style (leftmost placement, unchanged base first): chr19-34450298-AT-A. GRCh37 (hg19) VCF-style: chr19-34941203-AT-A.
Other names: c.518del, p.Met173fs (NM_001411139.1); short protein forms M173fs, M269fs.
Identifiers: ClinVar variation 3349701 (VCV003349701.1).